The following is an entry in ClinVar:

NM_001194998.2(CEP152):c.1770C>A (p.Ser590Arg)

Gene: CEP152 (centrosomal protein 152; minus strand). Cytogenetic location: 15q21.1.
Variant type: single nucleotide variant.
Coding change: c.1770C>A on transcript NM_001194998.2 (MANE Select); coding-DNA position 1770, C replaced by A.
Protein change: p.Ser590Arg; replaces serine 590 with arginine.
Molecular consequence: missense variant.
Genome position (GRCh38, 1-based): chr15:48,772,499, G>T on the plus strand (C>A on the coding strand, the complement: CEP152 is on the minus strand). VCF-style: chr15-48772499-G-T. GRCh37 (hg19) VCF-style: chr15-49064696-G-T.
Other names: c.1770C>A, p.Ser590Arg (NM_014985.4); c.1770C>A (NM_014985.3); short protein forms S590R.
Identifiers: ClinVar variation 1930347 (VCV001930347.3), dbSNP rs774531213, ClinGen allele CA7548763.

ClinVar aggregate classification (germline): Uncertain significance. Review status: criteria provided, multiple submitters, no conflicts (2 of 4 stars). 2 submissions from 2 submitters: Uncertain significance (2). Last evaluated 2023-09-23.

Conditions:
Inborn genetic diseases. Identifiers: MedGen C0950123, MeSH D030342.

Allele frequency attached by ClinVar (database versions not stated): gnomAD exomes 0.00001; TOPMed 0.00001; gnomAD 0.00003; ExAC 0.00008.
gnomAD v4.1: 26 of 1,612,060 alleles (0.0016%); highest among the groups gnomAD compares: East Asian, 0.056%; no homozygotes.

Submissions (2):

Ambry Genetics
Classification: Uncertain significance for Inborn genetic diseases. Last evaluated: 2023-09-23. Review status: criteria provided, single submitter. Criteria: Ambry Variant Classification Scheme 2023. Collection method: clinical testing. Allele origin: germline.

Labcorp Genetics (formerly Invitae), Labcorp
Classification: Uncertain significance. Last evaluated: 2022-07-28. Review status: criteria provided, single submitter. Criteria: Invitae Variant Classification Sherloc (09022015). Collection method: clinical testing. Allele origin: germline.
Comment: This sequence change replaces serine, which is neutral and polar, with arginine, which is basic and polar, at codon 590 of the CEP152 protein (p.Ser590Arg). This variant is present in population databases (rs774531213, gnomAD 0.1%). This variant has not been reported in the literature in individuals affected with CEP152-related conditions. Algorithms developed to predict the effect of missense changes on protein structure and function are either unavailable or do not agree on the potential impact of this missense change (SIFT: "Deleterious"; PolyPhen-2: "Benign"; Align-GVGD: "Class C15"). In summary, the available evidence is currently insufficient to determine the role of this variant in disease. Therefore, it has been classified as a Variant of Uncertain Significance.